The following is an entry in ClinVar:

ClinVar aggregate classification (germline): Likely pathogenic (1 of 4 stars; one submission).

gnomAD v4.1: 1 of 1,613,746 alleles (0.000062%); highest among the groups gnomAD compares: Non-Finnish European, 0.000085%; no homozygotes.

Submission:

Labcorp Genetics (formerly Invitae), Labcorp
Classification: Likely pathogenic. Last evaluated: 2023-06-23. Review status: criteria provided, single submitter. Criteria: Invitae Variant Classification Sherloc (09022015). Collection method: clinical testing. Allele origin: germline.
Comment: This sequence change affects an acceptor splice site in intron 36 of the MPDZ gene. It is expected to disrupt RNA splicing. Variants that disrupt the donor or acceptor splice site typically lead to a loss of protein function (PMID: 16199547), and loss-of-function variants in MPDZ are known to be pathogenic (PMID: 23240096, 28556411). In summary, the currently available evidence indicates that the variant is pathogenic, but additional data are needed to prove that conclusively. Therefore, this variant has been classified as Likely Pathogenic. Algorithms developed to predict the effect of sequence changes on RNA splicing suggest that this variant may disrupt the consensus splice site. This variant has not been reported in the literature in individuals affected with MPDZ-related conditions. This variant is not present in population databases (gnomAD no frequency).

Literature cited by the submitters: PubMed 16199547; PubMed 23240096; PubMed 28556411.

NM_001378778.1(MPDZ):c.4954-1G>A

Gene: MPDZ (multiple PDZ domain crumbs cell polarity complex component; minus strand). Cytogenetic location: 9p23.
Variant type: single nucleotide variant.
Coding change: c.4954-1G>A on transcript NM_001378778.1 (MANE Select); the canonical splice acceptor site of the intron before coding-DNA position 4954, G replaced by A.
Molecular consequence: splice acceptor variant.
Genome position (GRCh38, 1-based): chr9:13,122,171, C>T on the plus strand (G>A on the coding strand, the complement: MPDZ is on the minus strand). VCF-style: chr9-13122171-C-T. GRCh37 (hg19) VCF-style: chr9-13122170-C-T.
Other names: c.4744-1G>A (NM_001375425.1, NM_001375420.1, NM_001375423.1 and 4 more transcripts); c.4855-1G>A (NM_001375419.1, NM_001375416.1, NM_001375418.1 and 3 more transcripts); c.4954-1G>A (NM_001330637.2, NM_003829.5); c.4546-1G>A (NM_001375427.1); c.5053-1G>A (NM_001375413.1).
Identifiers: ClinVar variation 2901976 (VCV002901976.3), dbSNP rs2538474549, ClinGen allele CA372945168.